The following is an entry in ClinVar:

NM_000277.3(PAH):c.997C>T (p.Leu333Phe)

Gene: PAH (phenylalanine hydroxylase; minus strand). Cytogenetic location: 12q23.2.
Variant type: single nucleotide variant.
Coding change: c.997C>T on transcript NM_000277.3 (MANE Select); coding-DNA position 997, C replaced by T.
Protein change: p.Leu333Phe; replaces leucine 333 with phenylalanine.
Molecular consequence: missense variant.
Genome position (GRCh38, 1-based): chr12:102,844,404, G>A on the plus strand (C>T on the coding strand, the complement: PAH is on the minus strand). VCF-style: chr12-102844404-G-A. GRCh37 (hg19) VCF-style: chr12-103238182-G-A.
Other names: NM_000277.2(PAH):c.997C>T; c.997C>T, p.Leu333Phe (NM_001354304.2); short protein forms L333F.
Identifiers: ClinVar variation 624 (VCV000000624.6), dbSNP rs62516060, ClinGen allele CA114366.

ClinVar aggregate classification (germline): Pathogenic. Review status: reviewed by expert panel (3 of 4 stars). 6 submissions from 6 submitters: Pathogenic (1). 5 of the submissions do not count toward it. Last evaluated 2022-03-13.

Conditions:
Hyperphenylalaninemia. Also called: Hyperphenylalaninaemia; Hyperphenylalaninemia (HPA); Hyperphenylalaninemia, non-pku. Identifiers: MedGen C0751435, HP:0004923.
Phenylketonuria (PKU). Also called: Phenylketonuria (PKU); Phenylketonurias; OLIGOPHRENIA PHENYLPYRUVICA; FOLLING DISEASE. Identifiers: Orphanet 716, MedGen C0031485, MONDO:0009861, OMIM 261600. Disease mechanism: loss of function.

Allele frequency attached by ClinVar (database versions not stated): gnomAD 0.00001.
gnomAD v4.1: 2 of 1,613,306 alleles (0.00012%); highest among the groups gnomAD compares: Admixed American, 0.0017%; no homozygotes.

Submissions (6):

ClinGen PAH Variant Curation Expert Panel
Classification: Pathogenic for Phenylketonuria. Last evaluated: 2022-03-13. Review status: reviewed by expert panel. Criteria: ClinGen PAH ACMG Specifications v1. Collection method: curation. Allele origin: germline. Inheritance: Autosomal recessive inheritance.
Comment: The c.997C>T (p.Leu333Phe) variant in PAH has been reported in multiple individuals with PAH deficiency (BH4 deficiency excluded). It was detected with multiple pathogenic variants: p.E390G (PMID: 8098245); p.R261Q (PMID: 21147011); p.S110L (LP by PAH VCEP, PMID: 26542770). This variant is absent in population databases. In an eukaryotic expression system, the L333F mutant had 7% PAH activity as compared to wild type (PMID: 10479481). Computational evidence supports a deleterious effect. In summary, this variant meets criteria to be classified as Pathogenic for PAH. PAH-specific ACMG/AMP criteria applied: PM3_strong, PP4_Moderate, PM2, PP3, PS3_supporting.

Baylor Genetics
Classification: Pathogenic for Phenylketonuria. Last evaluated: 2024-03-02. Review status: criteria provided, single submitter. Criteria: ACMG Guidelines, 2015. Collection method: clinical testing. Allele origin: unknown. Not counted in ClinVar's aggregate classification.

Cellular and Molecular Research Center, Cellular and Molecular Medicine Research Institute,, Urmia University of Medical Sciences
Classification: Pathogenic for Phenylketonuria. Last evaluated: 2023-09-19. Review status: criteria provided, single submitter. Criteria: Zastrow et al. (Hum Mutat. 2018). Collection method: clinical testing. Allele origin: inherited. Inheritance: Autosomal recessive inheritance. Affected: yes. Not counted in ClinVar's aggregate classification.

Women's Health and Genetics/Laboratory Corporation of America, LabCorp
Classification: Pathogenic for Phenylketonuria. Last evaluated: 2023-04-27. Review status: criteria provided, single submitter. Criteria: LabCorp Variant Classification Summary - May 2015. Collection method: clinical testing. Allele origin: germline. Not counted in ClinVar's aggregate classification.
Comment: Variant summary: PAH c.997C>T (p.Leu333Phe) results in a non-conservative amino acid change located in the Aromatic amino acid hydroxylase, C-terminal domain (IPR019774) of the encoded protein sequence. Five of five in-silico tools predict a damaging effect of the variant on protein function. The variant was absent in 251062 control chromosomes. c.997C>T has been reported in the literature as a biallelic genotype in multiple individuals affected with Phenylalanine Hydroxylase Deficiency (Phenylketonuria) (example, Abadie_1993, Benit_1999, Zare-Karizi_2011, Bayat_2016). These data indicate that the variant is very likely to be associated with disease. At least one publication reports experimental evidence evaluating an impact on protein function. The most pronounced variant effect results in 7% of normal PAH enzyme activity in vitro (Benit_1999). The following publications have been ascertained in the context of this evaluation (PMID: 8098245, 26542770, 10479481, 20920871). One expert panel (ClinGen PAH Variant Curation Expert Panel) has submitted clinical-significance assessments for this variant to ClinVar after 2014 and classified the variant as pathogenic. Based on the evidence outlined above, the variant was classified as pathogenic.

OMIM
Classification: Pathogenic for HYPERPHENYLALANINEMIA, NON-PKU. Last evaluated: 1993-01-01. Review status: no assertion criteria provided. Collection method: literature only. Allele origin: germline. Not counted in ClinVar's aggregate classification.

DeBelle Laboratory for Biochemical Genetics, MUHC/MCH RESEARCH INSTITUTE
No classification provided. Review status: no classification provided. Collection method: not provided. Allele origin: not provided. Not counted in ClinVar's aggregate classification.

Literature cited by the submitters: PubMed 26351554 (cited by Cellular and Molecular Research Center, Cellular and Molecular Medicine Research Institute,, Urmia University of Medical Sciences); PubMed 20920871 (cited by Women's Health and Genetics/Laboratory Corporation of America, LabCorp); PubMed 10479481 (cited by Women's Health and Genetics/Laboratory Corporation of America, LabCorp); PubMed 26542770 (cited by Women's Health and Genetics/Laboratory Corporation of America, LabCorp); PubMed 8098245 (cited by Women's Health and Genetics/Laboratory Corporation of America, LabCorp and OMIM).